The following is an entry in ClinVar:

NM_001184.4(ATR):c.6687+262A>G

Gene: ATR (ATR checkpoint kinase; minus strand). Cytogenetic location: 3q23.
Variant type: single nucleotide variant.
Coding change: c.6687+262A>G on transcript NM_001184.4 (MANE Select); 262 bases into the intron after coding-DNA position 6687, A replaced by G.
Molecular consequence: intron variant.
Genome position (GRCh38, 1-based): chr3:142,467,672, T>C on the plus strand (A>G on the coding strand, the complement: ATR is on the minus strand). VCF-style: chr3-142467672-T-C. GRCh37 (hg19) VCF-style: chr3-142186514-T-C.
Other names: c.6495+262A>G (NM_001354579.2).
Identifiers: ClinVar variation 673692 (VCV000673692.1), dbSNP rs79174289, ClinGen allele CA84732113.

ClinVar aggregate classification (germline): Benign (1 of 4 stars; one submission).

Allele frequency attached by ClinVar (database versions not stated): gnomAD 0.02817 and 0.03041; 1000 Genomes Project 0.02875; 1000 Genomes Project 30x 0.03186; TOPMed 0.03283.
gnomAD v4.1: 4,241 of 152,232 alleles (2.8%); highest among the groups gnomAD compares: African/African-American, 9.7%; 182 homozygotes.

Submission:

GeneDx
Classification: Benign. Last evaluated: 2018-06-16. Review status: criteria provided, single submitter. Criteria: GeneDx Variant Classification (06012015). Collection method: clinical testing. Allele origin: germline. Affected: yes.
Comment: This variant is considered likely benign or benign based on one or more of the following criteria: it is a conservative change, it occurs at a poorly conserved position in the protein, it is predicted to be benign by multiple in silico algorithms, and/or has population frequency not consistent with disease.